The following is an entry in ClinVar:

ClinVar aggregate classification (germline): Likely benign. Review status: criteria provided, multiple submitters, no conflicts (2 of 4 stars). 4 submissions from 4 submitters: Likely benign (4). Last evaluated 2025-09-05.

Conditions:
Left ventricular noncompaction 8 (LVNC8). Identifiers: Orphanet 154, Orphanet 54260, MedGen C3809288, MONDO:0014152, OMIM 615373.

gnomAD v4.1: 140 of 1,603,612 alleles (0.0087%); highest among the groups gnomAD compares: South Asian, 0.14%; 1 homozygote.

Submissions (4):

Labcorp Genetics (formerly Invitae), Labcorp
Classification: Likely benign for Left ventricular noncompaction 8. Last evaluated: 2025-09-05. Review status: criteria provided, single submitter. Criteria: Invitae Variant Classification Sherloc (09022015). Collection method: clinical testing. Allele origin: germline.

Mayo Clinic Laboratories, Mayo Clinic
Classification: Likely benign. Last evaluated: 2025-07-22. Review status: criteria provided, single submitter. Criteria: ACMG Guidelines, 2015. Collection method: clinical testing. Allele origin: germline. Observed: 1 variant allele.
Comment: BS1, BP4, BP7

Blueprint Genetics
Classification: Likely benign. Last evaluated: 2022-07-15. Review status: criteria provided, single submitter. Criteria: ACMG Guidelines, 2015. Collection method: clinical testing. Allele origin: germline.

GeneDx
Classification: Likely benign. Last evaluated: 2017-03-16. Review status: criteria provided, single submitter. Criteria: GeneDx Variant Classification (06012015). Collection method: clinical testing. Allele origin: germline. Affected: yes.
Comment: This variant is considered likely benign or benign based on one or more of the following criteria: it is a conservative change, it occurs at a poorly conserved position in the protein, it is predicted to be benign by multiple in silico algorithms, and/or has population frequency not consistent with disease.

NM_022114.4(PRDM16):c.2391C>A (p.Ser797=)

Gene: PRDM16 (PR/SET domain 16; plus strand). Cytogenetic location: 1p36.32.
Variant type: single nucleotide variant.
Coding change: c.2391C>A on transcript NM_022114.4 (MANE Select); coding-DNA position 2391, C replaced by A.
Protein change: p.Ser797=; no amino-acid change (serine 797 retained).
Molecular consequence: synonymous variant.
Genome position (GRCh38, 1-based): chr1:3,412,588, C>A. VCF-style: chr1-3412588-C-A. GRCh37 (hg19) VCF-style: chr1-3329152-C-A.
Other names: p.Ser797=; c.2391C>A, p.Ser797= (NM_199454.3).
Identifiers: ClinVar variation 508020 (VCV000508020.12), dbSNP rs370931714, ClinGen allele CA544461.